The following is an entry in ClinVar:

ClinVar aggregate classification (germline): Pathogenic (1 of 4 stars; one submission).

Submission:

Labcorp Genetics (formerly Invitae), Labcorp
Classification: Pathogenic. Last evaluated: 2025-04-11. Review status: criteria provided, single submitter. Criteria: Invitae Variant Classification Sherloc (09022015). Collection method: clinical testing. Allele origin: germline.
Comment: This sequence change creates a premature translational stop signal (p.Leu775Phefs*28) in the DUOX2 gene. It is expected to result in an absent or disrupted protein product. Loss-of-function variants in DUOX2 are known to be pathogenic (PMID: 12110737, 18765513, 21565790, 24423310, 24735383). This variant is not present in population databases (gnomAD no frequency). This variant has not been reported in the literature in individuals affected with DUOX2-related conditions. ClinVar contains an entry for this variant (Variation ID: 2854614). For these reasons, this variant has been classified as Pathogenic.

Literature cited by the submitters: PubMed 12110737; PubMed 18765513; PubMed 21565790; PubMed 24423310; PubMed 24735383.

NM_001363711.2(DUOX2):c.2323del (p.Leu775fs)

Gene: DUOX2 (dual oxidase 2; minus strand). Cytogenetic location: 15q21.1.
Variant type: Deletion.
Coding change: c.2323del on transcript NM_001363711.2 (MANE Select); coding-DNA position 2323, one base deleted (C; older notation c.2323delC).
Protein change: p.Leu775fs; shifts the reading frame from leucine 775.
Molecular consequence: frameshift variant.
Genome position (GRCh38, 1-based): chr15:45,105,654, G deleted on the plus strand (C on the coding strand, the reverse complement: DUOX2 is on the minus strand); the first of 2 consecutive G bases (chr15:45,105,654-45,105,655); deleting either gives the same sequence. VCF-style (leftmost placement, unchanged base first): chr15-45105653-AG-A. GRCh37 (hg19) VCF-style: chr15-45397851-AG-A.
Other names: c.2323del, p.Leu775fs (NM_014080.5); short protein forms L775fs.
Identifiers: ClinVar variation 2854614 (VCV002854614.4), dbSNP rs2504764459, ClinGen allele CA2575710654.